The following is an entry in ClinVar:

NM_002764.4(PRPS1):c.43T>C (p.Leu15=)

Gene: PRPS1 (phosphoribosyl pyrophosphate synthetase 1; plus strand). Cytogenetic location: Xq22.3.
Variant type: single nucleotide variant.
Coding change: c.43T>C on transcript NM_002764.4 (MANE Select); coding-DNA position 43, T replaced by C.
Protein change: p.Leu15=; no amino-acid change (leucine 15 retained).
Molecular consequence: synonymous variant. On other transcripts: 5 prime UTR variant (1).
Genome position (GRCh38, 1-based): chrX:107,628,671, T>C. VCF-style: chrX-107628671-T-C. GRCh37 (hg19) VCF-style: chrX-106871901-T-C.
Other names: c.-162T>C (NM_001204402.2).
Identifiers: ClinVar variation 681063 (VCV000681063.9), dbSNP rs1602893240, ClinGen allele CA517920567.
Genomic context (GRCh38, chrX:107,628,671, plus strand): 5'-TTAGGGTAGTTGGCCAGGATGCCGAATATCAAAATCTTCAGCGGCAGCTCCCACCAGGAC[T>C]TATCTCAGAAAATTGCTGACCGCCTGGGCCTGGAGCTAGGCAAGGTGGTGACTAAGAAAT-3'
Protein context (NP_002755.1, residues 5-25): KIFSGSSHQD[Leu15=]SQKIADRLGL

ClinVar aggregate classification (germline): Likely benign. Review status: criteria provided, multiple submitters, no conflicts (2 of 4 stars). 2 submissions from 2 submitters: Likely benign (2). Last evaluated 2020-09-07.

Conditions:
Charcot-Marie-Tooth Neuropathy X. Identifiers: MedGen CN118851.

Submissions (2):

Labcorp Genetics (formerly Invitae), Labcorp
Classification: Likely benign for Charcot-Marie-Tooth Neuropathy X. Last evaluated: 2020-09-07. Review status: criteria provided, single submitter. Criteria: Invitae Variant Classification Sherloc (09022015). Collection method: clinical testing. Allele origin: germline.

GeneDx
Classification: Likely benign. Last evaluated: 2018-03-27. Review status: criteria provided, single submitter. Criteria: GeneDx Variant Classification (06012015). Collection method: clinical testing. Allele origin: germline. Affected: yes.
Comment: This variant is considered likely benign or benign based on one or more of the following criteria: it is a conservative change, it occurs at a poorly conserved position in the protein, it is predicted to be benign by multiple in silico algorithms, and/or has population frequency not consistent with disease.